The following is an entry in ClinVar:

ClinVar aggregate classification (germline): Uncertain significance (0 of 4 stars; one submission).

Conditions:
PRRC2A-related disorder. Also called: PRRC2A-related condition.

Allele frequency attached by ClinVar (database versions not stated): gnomAD exomes below 0.00001; gnomAD 0.00001; TOPMed 0.00001.
gnomAD v4.1: 2 of 1,612,526 alleles (0.00012%); highest among the groups gnomAD compares: Non-Finnish European, 0.00017%; no homozygotes.

Submission:

PreventionGenetics, part of Exact Sciences
Classification: Uncertain significance for PRRC2A-related condition. Last evaluated: 2023-10-30. Review status: no assertion criteria provided. Collection method: clinical testing. Allele origin: germline.
Comment: The PRRC2A c.923A>G variant is predicted to result in the amino acid substitution p.Lys308Arg. To our knowledge, this variant has not been reported in the literature. This variant is reported in 0.0018% of alleles in individuals of European (Non-Finnish) descent in gnomAD. At this time, the clinical significance of this variant is uncertain due to the absence of conclusive functional and genetic evidence.

NM_004638.4(PRRC2A):c.923A>G (p.Lys308Arg)

Gene: PRRC2A (proline rich coiled-coil 2A; plus strand). Cytogenetic location: 6p21.33.
Variant type: single nucleotide variant.
Coding change: c.923A>G on transcript NM_004638.4 (MANE Select); coding-DNA position 923, A replaced by G.
Protein change: p.Lys308Arg; replaces lysine 308 with arginine.
Molecular consequence: missense variant.
Genome position (GRCh38, 1-based): chr6:31,626,103, A>G. VCF-style: chr6-31626103-A-G. GRCh37 (hg19) VCF-style: chr6-31593880-A-G.
Other names: c.923A>G, p.Lys308Arg (NM_080686.3); short protein forms K308R.
Identifiers: ClinVar variation 3054765 (VCV003054765.2), dbSNP rs942144296, ClinGen allele CA136855118.